The following is an entry in ClinVar:

ClinVar aggregate classification (germline): Uncertain significance (1 of 4 stars; one submission).

Conditions:
Gastrointestinal stromal tumor. Also called: Gastrointestinal stromal tumor, somatic; Gastrointestinal stroma tumor. Identifiers: Orphanet 44890, MedGen C0238198, MeSH D046152, MONDO:0011719, OMIM 606764, HP:0100723.

Submission:

Labcorp Genetics (formerly Invitae), Labcorp
Classification: Uncertain significance for Gastrointestinal stromal tumor. Last evaluated: 2024-11-19. Review status: criteria provided, single submitter. Criteria: Invitae Variant Classification Sherloc (09022015). Collection method: clinical testing. Allele origin: germline.
Comment: This sequence change affects the initiator methionine of the KIT mRNA. The next in-frame methionine is located at codon 171. This variant is not present in population databases (gnomAD no frequency). Disruption of the initiator codon has been observed in individual(s) with congenital white forelock (internal data). This variant disrupts a region of the KIT protein in which other variant(s) (p.Cys136Arg) have been observed in individuals with KIT-related conditions (PMID: 8875953). This suggests that this is a clinically significant region of the protein, and that variants that disrupt it are likely to be disease-causing. In summary, the available evidence is currently insufficient to determine the role of this variant in disease. Therefore, it has been classified as a Variant of Uncertain Significance.

Literature cited by the submitters: PubMed 8875953.

NM_000222.3(KIT):c.1A>C (p.Met1Leu)

Gene: KIT (KIT proto-oncogene, receptor tyrosine kinase; plus strand). Cytogenetic location: 4q12.
Variant type: single nucleotide variant.
Coding change: c.1A>C on transcript NM_000222.3 (MANE Select); coding-DNA position 1, A replaced by C.
Protein change: p.Met1Leu; changes the start codon (methionine 1).
Molecular consequence: missense variant, initiator codon variant.
Genome position (GRCh38, 1-based): chr4:54,658,015, A>C. VCF-style: chr4-54658015-A-C. GRCh37 (hg19) VCF-style: chr4-55524182-A-C.
Other names: c.1A>C, p.Met1Leu (NM_001093772.2, NM_001385284.1, NM_001385285.1 and 4 more transcripts); short protein forms M1L.
Identifiers: ClinVar variation 3725618 (VCV003725618.2).